The following is an entry in ClinVar:

NM_004818.3(DDX23):c.31C>T (p.Arg11Cys)

Gene: DDX23 (DEAD-box helicase 23; minus strand). Cytogenetic location: 12q13.12.
Variant type: single nucleotide variant.
Coding change: c.31C>T on transcript NM_004818.3 (MANE Select); coding-DNA position 31, C replaced by T.
Protein change: p.Arg11Cys; replaces arginine 11 with cysteine.
Molecular consequence: missense variant.
Genome position (GRCh38, 1-based): chr12:48,845,752, G>A on the plus strand (C>T on the coding strand, the complement: DDX23 is on the minus strand). VCF-style: chr12-48845752-G-A. GRCh37 (hg19) VCF-style: chr12-49239535-G-A.
Other names: short protein forms R11C.
Identifiers: ClinVar variation 3080943 (VCV003080943.11), dbSNP rs747067894, ClinGen allele CA6542820.

ClinVar aggregate classification (germline): Conflicting classifications of pathogenicity. Review status: criteria provided, conflicting classifications (1 of 4 stars). 2 submissions from 2 submitters: Uncertain significance (1); Likely benign (1). Last evaluated 2025-05-01.

Conditions:
Inborn genetic diseases. Identifiers: MedGen C0950123, MeSH D030342.

Allele frequency attached by ClinVar (database versions not stated): ExAC 0.00002; gnomAD 0.00002; gnomAD exomes 0.00002; TOPMed 0.00003.
gnomAD v4.1: 29 of 1,614,008 alleles (0.0018%); highest among the groups gnomAD compares: East Asian, 0.0089%; no homozygotes.

Submissions (2):

CeGaT Center for Human Genetics Tuebingen
Classification: Likely benign. Last evaluated: 2025-05-01. Review status: criteria provided, single submitter. Criteria: CeGaT Center For Human Genetics Tuebingen Variant Classification Criteria Version 2. Collection method: clinical testing. Allele origin: germline. Affected: yes. Observed: 1 variant allele.
Comment: DDX23: BS2

Ambry Genetics
Classification: Uncertain significance for Inborn genetic diseases. Last evaluated: 2022-05-26. Review status: criteria provided, single submitter. Criteria: Ambry Variant Classification Scheme 2023. Collection method: clinical testing. Allele origin: germline.